The following is an entry in ClinVar:

ClinVar aggregate classification (germline): other (0 of 4 stars; one submission).

Conditions:
Familial colorectal cancer. Identifiers: MedGen CN280943, MONDO:0023113. Disease mechanism: loss of function.

Allele frequency attached by ClinVar (database versions not stated): gnomAD 0.46868 and 0.48128; TOPMed 0.48794; 1000 Genomes Project 30x 0.53623; 1000 Genomes Project 0.54293.
gnomAD v4.1: 73,258 of 151,978 alleles (48%); highest among the groups gnomAD compares: East Asian, 79%; 19,125 homozygotes.

Submission:

Systems Biology Platform Zhejiang California International NanoSystems Institute
Classification: other for Familial colorectal cancer. Review status: no assertion criteria provided. Collection method: not provided. Allele origin: unknown.
ClinVar note: Converted during submission from cancer to other.

NM_000038.6(APC):c.136-566G>T

Gene: APC (APC regulator of WNT signaling pathway; plus strand). Cytogenetic location: 5q22.2.
Variant type: single nucleotide variant.
Coding change: c.136-566G>T on transcript NM_000038.6 (MANE Select); 566 bases into the intron before coding-DNA position 136, G replaced by T.
Molecular consequence: intron variant.
Genome position (GRCh38, 1-based): chr5:112,765,760, G>T. VCF-style: chr5-112765760-G-T. GRCh37 (hg19) VCF-style: chr5-112101457-G-T.
Other names: c.136-566G>T (NM_001354895.2, NM_001127510.3, NM_001354896.2 and 2 more transcripts); c.166-566G>T (NM_001354897.2, NM_001354902.2, NM_001127511.3); c.61-566G>T (NM_001354898.2, NM_001354904.2); c.-900-566G>T (NM_001354906.2); c.-42-566G>T (NM_001354900.2, NM_001354901.2, NM_001354905.2).
Identifiers: ClinVar variation 82868 (VCV000082868.2), dbSNP rs12659119, ClinGen allele CA004845.
Genomic context (GRCh38, chr5:112,765,760, plus strand): 5'-GAAAAACTGGTAGAAAATGAAAATTTCCAACATTCTTTGAGAAAAAATGATCAAGAAAGG[G>T]ATTACATGGGAAAGAAGAAAAGCATCAAAAGTCAAGAAGTAGTGAACATACAGTCATTTG-3'